The following is an entry in ClinVar:

ClinVar aggregate classification (germline): Likely pathogenic (3 of 4 stars; one submission).

Conditions:
Monogenic diabetes. Identifiers: Orphanet 183625, MedGen C3888631, MONDO:0015967.

Submission:

ClinGen Monogenic Diabetes Variant Curation Expert Panel
Classification: Likely pathogenic for Monogenic diabetes. Last evaluated: 2025-07-24. Review status: reviewed by expert panel. Criteria: ClinGen Diabetes ACMG Specifications HNF1A V3.0.0. Collection method: curation. Allele origin: germline. Inheritance: Autosomal dominant inheritance.
Comment: The c.721T>G variant in the HNF1 homeobox A gene, HNF1A, causes an amino acid change of cysteine to glycine at codon 241 (p.(Cys241Gly)) of NM_000545.8. This variant is located within a conserved region of the HNF1A DNA binding domain (codons 107-174 and 201-280), which is defined as critical for the protein’s function by the ClinGen MDEP (PM1_Supporting). Additionally, this variant is absent from gnomAD v2.1.1 and v4.1.0 (PM2_Supporting). This variant is predicted to be deleterious by computational evidence, with a REVEL score of 0.964 which is greater than the MDEP VCEP threshold of 0.70 (PP3). This variant segregated with disease with 12 informative meioses in three families with MODY (PP1_Strong; PMID: 9032114, PMID: 9867222). This variant was identified in three unrelated individuals with non-autoimmune and non-absolute/near-absolute insulin-deficient diabetes; however, PS4_Moderate cannot be applied because this number is below the ClinGen MDEP threshold (PMID: 9032114, 9867222). This variant was identified in individuals with diabetes; however, the calculated MODY probability is <50% and HNF4A was not tested (PMID: 9032114, 9867222). In summary, c.721T>G meets the criteria to be classified as likely pathogenic for monogenic diabetes. ACMG/AMP criteria applied, as specified by the ClinGen MDEP (specification version 3.0.0, approved 6/30/2025): PM2_Supporting, PP3, PM1_Supporting, PP1_Strong.

Literature cited by the submitters: PubMed 9032114; PubMed 9867222.

NM_000545.8(HNF1A):c.721T>G (p.Cys241Gly)

Gene: HNF1A (HNF1 homeobox A; plus strand). Cytogenetic location: 12q24.31.
Variant type: single nucleotide variant.
Coding change: c.721T>G on transcript NM_000545.8 (MANE Select); coding-DNA position 721, T replaced by G.
Protein change: p.Cys241Gly; replaces cysteine 241 with glycine.
Molecular consequence: missense variant.
Genome position (GRCh38, 1-based): chr12:120,994,171, T>G. VCF-style: chr12-120994171-T-G. GRCh37 (hg19) VCF-style: chr12-121431974-T-G.
Other names: NM_001306179.2:c.721T>G; c.721T>G, p.Cys241Gly (NM_001306179.2); short protein forms C241G.
Identifiers: ClinVar variation 1327608 (VCV001327608.4), dbSNP rs2135841104, ClinGen allele CA386965770.